The following is an entry in ClinVar:

NM_000548.5(TSC2):c.1018C>G (p.Leu340Val)

Gene: TSC2 (TSC complex subunit 2; plus strand). Cytogenetic location: 16p13.3.
Variant type: single nucleotide variant.
Coding change: c.1018C>G on transcript NM_000548.5 (MANE Select); coding-DNA position 1018, C replaced by G.
Protein change: p.Leu340Val; replaces leucine 340 with valine.
Molecular consequence: missense variant.
Genome position (GRCh38, 1-based): chr16:2,060,712, C>G. VCF-style: chr16-2060712-C-G. GRCh37 (hg19) VCF-style: chr16-2110713-C-G.
Other names: c.1006C>G, p.Leu336Val (NM_001406673.1, NM_001406671.1); c.871C>G, p.Leu291Val (NM_001406675.1, NM_001406676.1, NM_001406679.1 and 1 more transcripts); c.961C>G, p.Leu321Val (NM_001406677.1); c.907C>G, p.Leu303Val (NM_001406678.1, NM_001318827.2, NM_001406670.1); c.418C>G, p.Leu140Val (NM_001406680.1, NM_001406682.1, NM_001406683.1 and 6 more transcripts); c.556C>G, p.Leu186Val (NM_001406681.1); c.-414C>G (NM_001406689.1, NM_001406690.1, NM_001406691.1 and 4 more transcripts); c.-295C>G (NM_001406694.1, NM_001406695.1); and 4 more; short protein forms L303V, L140V, L186V, L340V, L336V, L351V, L291V, L321V.
Identifiers: ClinVar variation 2089964 (VCV002089964.4), dbSNP rs2151135855, ClinGen allele CA394317534.
Genomic context (GRCh38, chr16:2,060,712, plus strand): 5'-GCCGGGCTCGTGTTCCAGGCCATGGCATGTCCGAACGAGGTGGTGTCCTATGAGATCGTC[C>G]TGTCCATCACCAGGCTCATCAAGAAGTATAGGAAGGAGCTCCAGGTGGTGGCGTGGGACA-3'
Protein context (NP_000539.2, residues 330-350): PNEVVSYEIV[Leu340Val]SITRLIKKYR

ClinVar aggregate classification (germline): Uncertain significance (1 of 4 stars; one submission).

Conditions:
Tuberous sclerosis 2 (TSC2). Identifiers: Orphanet 805, MedGen C1860707, MONDO:0013199, OMIM 613254.

Submission:

Labcorp Genetics (formerly Invitae), Labcorp
Classification: Uncertain significance for Tuberous sclerosis 2. Last evaluated: 2023-04-09. Review status: criteria provided, single submitter. Criteria: Invitae Variant Classification Sherloc (09022015). Collection method: clinical testing. Allele origin: germline.
Comment: ClinVar contains an entry for this variant (Variation ID: 2089964). This variant has not been reported in the literature in individuals affected with TSC2-related conditions. This variant is not present in population databases (gnomAD no frequency). This sequence change replaces leucine, which is neutral and non-polar, with valine, which is neutral and non-polar, at codon 340 of the TSC2 protein (p.Leu340Val). Advanced modeling of protein sequence and biophysical properties (such as structural, functional, and spatial information, amino acid conservation, physicochemical variation, residue mobility, and thermodynamic stability) performed at Invitae indicates that this missense variant is not expected to disrupt TSC2 protein function. In summary, the available evidence is currently insufficient to determine the role of this variant in disease. Therefore, it has been classified as a Variant of Uncertain Significance. Algorithms developed to predict the effect of sequence changes on RNA splicing suggest that this variant may disrupt the consensus splice site.